The following is an entry in ClinVar:

NM_001330700.2(TOP2B):c.396-3C>T

Gene: TOP2B (DNA topoisomerase II beta; minus strand). Cytogenetic location: 3p24.2.
Variant type: single nucleotide variant.
Coding change: c.396-3C>T on transcript NM_001330700.2 (MANE Select); 3 bases into the intron before coding-DNA position 396, C replaced by T.
Molecular consequence: intron variant.
Genome position (GRCh38, 1-based): chr3:25,638,313, G>A on the plus strand (C>T on the coding strand, the complement: TOP2B is on the minus strand). VCF-style: chr3-25638313-G-A. GRCh37 (hg19) VCF-style: chr3-25679804-G-A.
Other names: c.381-3C>T (NM_001068.3).
Identifiers: ClinVar variation 1934806 (VCV001934806.6), dbSNP rs753537537, ClinGen allele CA2288896.
Genomic context (GRCh38, chr3:25,638,313, plus strand): 5'-GTGTTCTACTACTGGAATGCCTTTCCCATTATTCCAAATGCTTATAATGTTAGATTCACT[G>A]TAAAAAAAAAAAAAAAAAAAAAAAAAAAAAAAAAAAAAAGCAGAATTTAGAGCTTAAAAT-3'

ClinVar aggregate classification (germline): Uncertain significance (1 of 4 stars; one submission).

Allele frequency attached by ClinVar (database versions not stated): ExAC 0.00019; gnomAD exomes 0.00043.
gnomAD v4.1: 20 of 67,324 alleles (0.03%); highest among the groups gnomAD compares: Non-Finnish European, 0.046%; no homozygotes.

Submissions (2):

Labcorp Genetics (formerly Invitae), Labcorp
Classification: Uncertain significance. Last evaluated: 2025-10-27. Review status: criteria provided, single submitter. Criteria: Invitae Variant Classification Sherloc (09022015). Collection method: clinical testing. Allele origin: germline.
Comment: This sequence change falls in intron 4 of the TOP2B gene. It does not directly change the encoded amino acid sequence of the TOP2B protein. It affects a nucleotide within the consensus splice site. The frequency data for this variant in the population databases is considered unreliable, as metrics indicate poor data quality at this position in the gnomAD database. This variant has not been reported in the literature in individuals affected with TOP2B-related conditions. ClinVar contains an entry for this variant (Variation ID: 1934806). Variants that disrupt the consensus splice site are a relatively common cause of aberrant splicing (PMID: 17576681, 9536098). Algorithms developed to predict the effect of sequence changes on RNA splicing suggest that this variant is not likely to affect RNA splicing. In summary, the available evidence is currently insufficient to determine the role of this variant in disease. Therefore, it has been classified as a Variant of Uncertain Significance.

Dr. Peter K. Rogan Lab, Western University
No classification provided (evidence only). Condition: Sarcoma. Review status: no classification provided. Collection method: in vitro. Allele origin: not applicable. Functional consequence: retained intron. Not counted in ClinVar's aggregate classification.

Literature cited by the submitters: PubMed 17576681 (cited by Labcorp Genetics (formerly Invitae), Labcorp); PubMed 9536098 (cited by Labcorp Genetics (formerly Invitae), Labcorp).